The following is an entry in ClinVar:

NM_000264.5(PTCH1):c.1078C>G (p.Leu360Val)

Gene: PTCH1 (patched 1; minus strand). Cytogenetic location: 9q22.32.
Variant type: single nucleotide variant.
Coding change: c.1078C>G on transcript NM_000264.5 (MANE Select); coding-DNA position 1078, C replaced by G.
Protein change: p.Leu360Val; replaces leucine 360 with valine.
Molecular consequence: missense variant. On other transcripts: non-coding transcript variant (1).
Genome position (GRCh38, 1-based): chr9:95,479,137, G>C on the plus strand (C>G on the coding strand, the complement: PTCH1 is on the minus strand). VCF-style: chr9-95479137-G-C. GRCh37 (hg19) VCF-style: chr9-98241419-G-C.
Other names: c.880C>G, p.Leu294Val (NM_001083602.3); c.1075C>G, p.Leu359Val (NM_001083603.3); c.625C>G, p.Leu209Val (NM_001083604.3, NM_001083605.3, NM_001083606.3 and 1 more transcripts); c.1078C>G, p.Leu360Val (NM_001354918.2); short protein forms L294V, L359V, L209V, L360V.
Identifiers: ClinVar variation 3939971 (VCV003939971.1).

ClinVar aggregate classification (germline): Uncertain significance (1 of 4 stars; one submission).

Conditions:
Hereditary cancer-predisposing syndrome. Also called: Tumor predisposition; Hereditary neoplastic syndrome; Hereditary Cancer Syndrome; Neoplastic Syndromes, Hereditary. Identifiers: Orphanet 140162, MedGen C0027672, MeSH D009386, MONDO:0015356.

gnomAD v4.1: 1 of 1,614,066 alleles (0.000062%); highest among the groups gnomAD compares: Non-Finnish European, 0.000085%; no homozygotes.

Submission:

Ambry Genetics
Classification: Uncertain significance for Hereditary cancer-predisposing syndrome. Last evaluated: 2025-05-10. Review status: criteria provided, single submitter. Criteria: Ambry Variant Classification Scheme 2023. Collection method: clinical testing. Allele origin: germline.
Comment: The p.L360V variant (also known as c.1078C>G), located in coding exon 8 of the PTCH1 gene, results from a C to G substitution at nucleotide position 1078. The leucine at codon 360 is replaced by valine, an amino acid with highly similar properties. This amino acid position is conserved. In addition, the in silico prediction for this alteration is inconclusive. Based on the available evidence, the clinical significance of this variant remains unclear.